The following is an entry in ClinVar:

NM_000384.3(APOB):c.12972del (p.Ile4326fs)

Gene: APOB (apolipoprotein B; minus strand). Cytogenetic location: 2p24.1.
Variant type: Deletion.
Coding change: c.12972del on transcript NM_000384.3 (MANE Select); coding-DNA position 12972, one base deleted (T; older notation c.12972delT).
Protein change: p.Ile4326fs; shifts the reading frame from isoleucine 4326.
Molecular consequence: frameshift variant.
Genome position (GRCh38, 1-based): chr2:21,002,450, A deleted on the plus strand (T on the coding strand, the reverse complement: APOB is on the minus strand). VCF-style (leftmost placement, unchanged base first): chr2-21002449-GA-G. GRCh37 (hg19) VCF-style: chr2-21225321-GA-G.
Other names: short protein forms I4326fs.
Identifiers: ClinVar variation 4794878 (VCV004794878.1).

ClinVar aggregate classification (germline): Uncertain significance (1 of 4 stars; one submission).

Conditions:
Familial hypobetalipoproteinemia 1. Also called: Hypobetalipoproteinemia, normotriglyceridemic; Acanthocytosis with hypobetalipoproteinemia; APOB-Related Familial Hypobetalipoproteinemia. Identifiers: MedGen C4551990, MONDO:0014252, OMIM 615558.
Hypercholesterolemia, autosomal dominant, type B (FHCL2). Also called: Familial Hypercholesterolemia Type B; APOLIPOPROTEIN B-100, FAMILIAL DEFECTIVE; APOLIPOPROTEIN B-100, FAMILIAL LIGAND-DEFECTIVE; HYPERCHOLESTEROLEMIA, FAMILIAL, DUE TO LIGAND-DEFECTIVE APOLIPOPROTEIN B; APOB-Related Familial Hypercholesterolemia, Autosomal Dominant; Hyperlipoproteinemia Type IIb. Identifiers: MedGen C1704417, MONDO:0007751, OMIM 144010.

Submission:

Labcorp Genetics (formerly Invitae), Labcorp
Classification: Uncertain significance for Familial hypobetalipoproteinemia 1; Hypercholesterolemia, autosomal dominant, type B. Last evaluated: 2026-01-26. Review status: criteria provided, single submitter. Criteria: Invitae Variant Classification Sherloc (09022015). Collection method: clinical testing. Allele origin: germline.
Comment: This sequence change creates a premature translational stop signal (p.Ile4326Leufs*23) in the APOB gene. While this is not anticipated to result in nonsense mediated decay, it is expected to disrupt the last 238 amino acid(s) of the APOB protein. This variant is not present in population databases (gnomAD no frequency). This variant has not been reported in the literature in individuals affected with APOB-related conditions. Experimental studies and prediction algorithms are not available or were not evaluated, and the functional significance of this variant is currently unknown. This variant disrupts a region of the APOB protein in which other variant(s) (p.Tyr4497Asp) have been observed in individuals with APOB-related conditions (internal data). This suggests that this is a clinically significant region of the protein, and that variants that disrupt it are likely to be disease-causing. In summary, the available evidence is currently insufficient to determine the role of this variant in disease. Therefore, it has been classified as a Variant of Uncertain Significance.